The following is an entry in ClinVar:

ClinVar aggregate classification (germline): Likely benign. Review status: criteria provided, multiple submitters, no conflicts (2 of 4 stars). 2 submissions from 2 submitters: Likely benign (2). Last evaluated 2026-09-01.

Submissions (2):

CeGaT Center for Human Genetics Tuebingen
Classification: Likely benign. Last evaluated: 2026-09-01. Review status: criteria provided, single submitter. Criteria: CeGaT Center For Human Genetics Tuebingen Variant Classification Criteria Version 2. Collection method: clinical testing. Allele origin: germline. Affected: yes. Observed: 1 variant allele.
Comment: KDM5A: BP4

Blueprint Genetics
Classification: Likely benign. Last evaluated: 2024-10-23. Review status: criteria provided, single submitter. Criteria: ACMG Guidelines, 2015. Collection method: clinical testing. Allele origin: germline.

NM_001042603.3(KDM5A):c.2151-12_2151-5del

Gene: KDM5A (lysine demethylase 5A; minus strand). Cytogenetic location: 12p13.33.
Variant type: Deletion.
Coding change: c.2151-12_2151-5del on transcript NM_001042603.3 (MANE Select); 12 bases into the intron before coding-DNA position 2151 through 5 bases into the intron before coding-DNA position 2151, 8 bases deleted (TTTTTTTT; older notation c.2151-12_2151-5delTTTTTTTT).
Molecular consequence: intron variant.
Genome position (GRCh38, 1-based): chr12:323,211-323,218, AAAAAAAA deleted on the plus strand (TTTTTTTT on the coding strand, the reverse complement: KDM5A is on the minus strand); deleting any 8 consecutive bases within chr12:323,211-323,239 gives the same sequence; the c. name uses the placement nearest the transcript's 3' end. VCF-style (leftmost placement, unchanged base first): chr12-323210-CAAAAAAAA-C. GRCh37 (hg19) VCF-style: chr12-432376-CAAAAAAAA-C.
Identifiers: ClinVar variation 4914914 (VCV004914914.2).